The following is an entry in ClinVar:

ClinVar aggregate classification (germline): Uncertain significance (1 of 4 stars; one submission).

Conditions:
HUWE1-related disorder. Also called: HUWE1-related condition.

gnomAD v4.1: 1 of 1,210,392 alleles (0.000083%); highest among the groups gnomAD compares: South Asian, 0.0018%; no homozygotes.

Submission:

PreventionGenetics, part of Exact Sciences
Classification: Uncertain significance for HUWE1-related condition. Last evaluated: 2026-08-31. Review status: criteria provided, single submitter. Criteria: ACMG Guidelines, 2015. Collection method: clinical testing. Allele origin: germline.
Comment: The HUWE1 c.388G>C variant is predicted to result in the amino acid substitution p.Val130Leu. To our knowledge, this variant has not been reported in the literature. This variant is reported in 0.0053% of alleles in individuals of South Asian descent in gnomAD. At this time, the clinical significance of this variant is uncertain due to the absence of conclusive functional and genetic evidence.

NM_031407.7(HUWE1):c.388G>C (p.Val130Leu)

Gene: HUWE1 (HECT, UBA and WWE domain containing E3 ubiquitin protein ligase 1; minus strand). Cytogenetic location: Xp11.22.
Variant type: single nucleotide variant.
Coding change: c.388G>C on transcript NM_031407.7 (MANE Select); coding-DNA position 388, G replaced by C.
Protein change: p.Val130Leu; replaces valine 130 with leucine.
Molecular consequence: missense variant.
Genome position (GRCh38, 1-based): chrX:53,645,427, C>G on the plus strand (G>C on the coding strand, the complement: HUWE1 is on the minus strand). VCF-style: chrX-53645427-C-G. GRCh37 (hg19) VCF-style: chrX-53672379-C-G.
Other names: c.388G>C, p.Val130Leu (NM_001441048.1, NM_001441049.1, NM_001441050.1 and 8 more transcripts); short protein forms V130L.
Identifiers: ClinVar variation 4996187 (VCV004996187.1).